The following is an entry in ClinVar:

ClinVar aggregate classification (germline): Uncertain significance (1 of 4 stars; one submission).

Conditions:
Inborn genetic diseases. Identifiers: MedGen C0950123, MeSH D030342.

Allele frequency attached by ClinVar (database versions not stated): gnomAD exomes 0.00001.
gnomAD v4.1: 33 of 1,609,990 alleles (0.002%); highest among the groups gnomAD compares: Non-Finnish European, 0.0027%; no homozygotes.

Submission:

Ambry Genetics
Classification: Uncertain significance for Inborn genetic diseases. Last evaluated: 2016-07-26. Review status: criteria provided, single submitter. Criteria: Ambry Variant Classification Scheme 2023. Collection method: clinical testing. Allele origin: germline.
Comment: The p.V627G variant (also known as c.1880T>G), located in coding exon 17 of the NSUN2 gene, results from a T to G substitution at nucleotide position 1880. The valine at codon 627 is replaced by glycine, an amino acid with dissimilar properties. This variant was not reported in population based cohorts in the following databases: Database of Single Nucleotide Polymorphisms (dbSNP), NHLBI Exome Sequencing Project (ESP), and 1000 Genomes Project. In the ESP, this variant was not observed in 6503 samples (13006 alleles) with coverage at this position. This amino acid position is highly conserved through mammals but not in all available vertebrate species. In addition, the in silico prediction for this alteration is inconclusive. Since supporting evidence is limited at this time, the clinical significance of this variant remains unclear.

NM_017755.6(NSUN2):c.1880T>G (p.Val627Gly)

Gene: NSUN2 (NOP2/Sun RNA methyltransferase 2; minus strand). Cytogenetic location: 5p15.31.
Variant type: single nucleotide variant.
Coding change: c.1880T>G on transcript NM_017755.6 (MANE Select); coding-DNA position 1880, T replaced by G.
Protein change: p.Val627Gly; replaces valine 627 with glycine.
Molecular consequence: missense variant. On other transcripts: non-coding transcript variant (1).
Genome position (GRCh38, 1-based): chr5:6,604,215, A>C on the plus strand (T>G on the coding strand, the complement: NSUN2 is on the minus strand). VCF-style: chr5-6604215-A-C. GRCh37 (hg19) VCF-style: chr5-6604328-A-C.
Other names: c.1775T>G, p.Val592Gly (NM_001193455.2); short protein forms V627G, V592G.
Identifiers: ClinVar variation 588032 (VCV000588032.5), dbSNP rs1331428829, ClinGen allele CA359114387.